The following is an entry in ClinVar:

NM_053274.3(GLMN):c.977+9G>A

Gene: GLMN (glomulin, FKBP associated protein; minus strand). Cytogenetic location: 1p22.1.
Variant type: single nucleotide variant.
Coding change: c.977+9G>A on transcript NM_053274.3 (MANE Select); 9 bases into the intron after coding-DNA position 977, G replaced by A.
Molecular consequence: intron variant.
Genome position (GRCh38, 1-based): chr1:92,269,714, C>T on the plus strand (G>A on the coding strand, the complement: GLMN is on the minus strand). VCF-style: chr1-92269714-C-T. GRCh37 (hg19) VCF-style: chr1-92735271-C-T.
Other names: p.?; c.977+9G>A (NM_001319683.2).
Identifiers: ClinVar variation 298136 (VCV000298136.7), dbSNP rs142642620, ClinGen allele CA950435.
Genomic context (GRCh38, chr1:92,269,714, plus strand): 5'-CCGCTGATCTTAACAAGGACTATTTTAACACTACTATTTCATTTTGAGATACCATCTAAA[C>T]GATCTTACCTTTGCAAAAAGACTTCAATGTGCCCCATATTAAACTGCAAAAGGTACAATG-3'

ClinVar aggregate classification (germline): Benign. Review status: criteria provided, multiple submitters, no conflicts (2 of 4 stars). 3 submissions from 3 submitters: Benign (3). Last evaluated 2025-07-22.

Conditions:
Glomuvenous malformation. Also called: GLOMANGIOMAS, MULTIPLE; GLOMUS TUMORS, MULTIPLE; VENOUS MALFORMATIONS WITH GLOMUS CELLS; Familial glomangioma. Identifiers: Orphanet 83454, MedGen C1841984, MONDO:0007672, OMIM 138000.

Allele frequency attached by ClinVar (database versions not stated): ESP Exome Variant Server 0.00046; TOPMed 0.00081; gnomAD 0.00084 and 0.00097; 1000 Genomes Project 30x 0.00156; 1000 Genomes Project 0.00180.
gnomAD v4.1: 912 of 1,591,340 alleles (0.057%); highest among the groups gnomAD compares: East Asian, 1.4%; 11 homozygotes.

Submissions (3):

Mayo Clinic Laboratories, Mayo Clinic
Classification: Benign. Last evaluated: 2025-07-22. Review status: criteria provided, single submitter. Criteria: ACMG Guidelines, 2015. Collection method: clinical testing. Allele origin: germline. Observed: 1 variant allele.
Comment: BS1, BS2, BP4, BP7

Illumina Laboratory Services, Illumina
Classification: Benign for Glomuvenous malformation. Last evaluated: 2018-01-13. Review status: criteria provided, single submitter. Criteria: ICSL Variant Classification Criteria 13 December 2019. Collection method: clinical testing. Allele origin: germline.
Comment: This variant was observed in the ICSL laboratory as part of a predisposition screen in an ostensibly healthy population. It had not been previously curated by ICSL or reported in the Human Gene Mutation Database (HGMD: prior to June 1st, 2018), and was therefore a candidate for classification through an automated scoring system. Utilizing variant allele frequency, disease prevalence and penetrance estimates, and inheritance mode, an automated score was calculated to assess if this variant is too frequent to cause the disease. Based on the score and internal cut-off values, a variant classified as benign is not then subjected to further curation. The score for this variant resulted in a classification of benign for this disease.

Breakthrough Genomics
Classification: Benign. Review status: criteria provided, single submitter. Criteria: ACMG Guidelines, 2015. Collection method: not provided. Allele origin: germline. Inheritance: Autosomal dominant inheritance. Affected: yes.